The following is an entry in ClinVar:

ClinVar aggregate classification (germline): Uncertain significance (1 of 4 stars; one submission).

Conditions:
Pitt-Hopkins-like syndrome 2 (PTHSL2). Identifiers: Orphanet 221150, Orphanet 600663, MedGen C3280479, MONDO:0013690, OMIM 614325.

gnomAD v4.1: 5 of 1,613,082 alleles (0.00031%); highest among the groups gnomAD compares: Non-Finnish European, 0.00042%; no homozygotes.

Submission:

Labcorp Genetics (formerly Invitae), Labcorp
Classification: Uncertain significance for Pitt-Hopkins-like syndrome 2. Last evaluated: 2022-05-27. Review status: criteria provided, single submitter. Criteria: Invitae Variant Classification Sherloc (09022015). Collection method: clinical testing. Allele origin: germline.
Comment: This sequence change replaces serine, which is neutral and polar, with arginine, which is basic and polar, at codon 1169 of the NRXN1 protein (p.Ser1169Arg). This variant is not present in population databases (gnomAD no frequency). This variant has not been reported in the literature in individuals affected with NRXN1-related conditions. Algorithms developed to predict the effect of missense changes on protein structure and function (SIFT, PolyPhen-2, Align-GVGD) all suggest that this variant is likely to be tolerated. In summary, the available evidence is currently insufficient to determine the role of this variant in disease. Therefore, it has been classified as a Variant of Uncertain Significance.

NM_001330078.2(NRXN1):c.3387C>G (p.Ser1129Arg)

Gene: NRXN1 (neurexin 1; minus strand). Cytogenetic location: 2p16.3.
Variant type: single nucleotide variant.
Coding change: c.3387C>G on transcript NM_001330078.2 (MANE Select); coding-DNA position 3387, C replaced by G.
Protein change: p.Ser1129Arg; replaces serine 1129 with arginine.
Molecular consequence: missense variant.
Genome position (GRCh38, 1-based): chr2:50,236,948, G>C on the plus strand (C>G on the coding strand, the complement: NRXN1 is on the minus strand). VCF-style: chr2-50236948-G-C. GRCh37 (hg19) VCF-style: chr2-50464086-G-C.
Other names: c.3507C>G, p.Ser1169Arg (NM_001135659.3); c.3363C>G, p.Ser1121Arg (NM_001330077.2, NM_001330082.2); c.3321C>G, p.Ser1107Arg (NM_001330083.2, NM_001330084.2); c.3360C>G, p.Ser1120Arg (NM_001330085.2); c.3387C>G, p.Ser1129Arg (NM_001330086.2, NM_004801.6); c.3276C>G, p.Ser1092Arg (NM_001330087.2, NM_001330096.2); c.3306C>G, p.Ser1102Arg (NM_001330088.2); c.282C>G, p.Ser94Arg (NM_001330091.2, NM_001330092.2, NM_001330097.2 and 1 more transcripts); and 3 more; short protein forms S1107R, S1128R, S94R, S1112R, S1120R, S1102R, S1121R, S1125R.
Identifiers: ClinVar variation 2185253 (VCV002185253.4), dbSNP rs1184494801, ClinGen allele CA346821104.